The following is an entry in ClinVar:

NM_004562.3(PRKN):c.1359G>A (p.Trp453Ter)

Gene: PRKN (parkin RBR E3 ubiquitin protein ligase; minus strand). Cytogenetic location: 6q26.
Variant type: single nucleotide variant.
Coding change: c.1359G>A on transcript NM_004562.3 (MANE Select); coding-DNA position 1359, G replaced by A.
Protein change: p.Trp453Ter; replaces tryptophan 453 with a stop codon.
Molecular consequence: nonsense.
Genome position (GRCh38, 1-based): chr6:161,350,138, C>T on the plus strand (G>A on the coding strand, the complement: PRKN is on the minus strand). VCF-style: chr6-161350138-C-T. GRCh37 (hg19) VCF-style: chr6-161771170-C-T.
Other names: c.1275G>A, p.Trp425Ter (NM_013987.3); c.912G>A, p.Trp304Ter (NM_013988.3); short protein forms W453*, W304*, W425*.
Identifiers: ClinVar variation 2191539 (VCV002191539.4), dbSNP rs2483164755, ClinGen allele CA366456206.

ClinVar aggregate classification (germline): Pathogenic (1 of 4 stars; one submission).

Submission:

Labcorp Genetics (formerly Invitae), Labcorp
Classification: Pathogenic. Last evaluated: 2022-07-17. Review status: criteria provided, single submitter. Criteria: Invitae Variant Classification Sherloc (09022015). Collection method: clinical testing. Allele origin: germline.
Comment: For these reasons, this variant has been classified as Pathogenic. Experimental studies have shown that this premature translational stop signal affects PRKN function (PMID: 12972428, 16049031). This sequence change creates a premature translational stop signal (p.Trp453*) in the PRKN gene. While this is not anticipated to result in nonsense mediated decay, it is expected to disrupt the last 13 amino acid(s) of the PRKN protein. This variant is not present in population databases (gnomAD no frequency). This premature translational stop signal has been observed in individuals with clinical features of Parkinson disease (PMID: 10072423, 32802956; Invitae). Algorithms developed to predict the effect of variants on protein structure and function are not available or were not evaluated for this variant.

Literature cited by the submitters: PubMed 12972428; PubMed 16049031; PubMed 10072423; PubMed 32802956.